The following is an entry in ClinVar:

ClinVar aggregate classification (germline): Uncertain significance. Review status: criteria provided, multiple submitters, no conflicts (2 of 4 stars). 3 submissions from 3 submitters: Uncertain significance (2). 1 of the submissions does not count toward it. Last evaluated 2025-09-21.

Conditions:
Retinitis pigmentosa (RP). Identifiers: Orphanet 791, MedGen C0035334, MeSH D012174, MONDO:0019200, OMIM 268000. Inheritance: Autosomal dominant, autosomal recessive and X linked inheritance.
Inborn genetic diseases. Identifiers: MedGen C0950123, MeSH D030342.

Allele frequency attached by ClinVar (database versions not stated): ExAC 0.00003; gnomAD exomes 0.00009; TOPMed 0.00026.
gnomAD v4.1: 51 of 1,609,788 alleles (0.0032%); highest among the groups gnomAD compares: Admixed American, 0.085%; no homozygotes.

Submissions (3):

Ambry Genetics
Classification: Uncertain significance for Inborn genetic diseases. Last evaluated: 2025-09-21. Review status: criteria provided, single submitter. Criteria: Ambry Variant Classification Scheme 2023. Collection method: clinical testing. Allele origin: germline.

Labcorp Genetics (formerly Invitae), Labcorp
Classification: Uncertain significance. Last evaluated: 2022-03-10. Review status: criteria provided, single submitter. Criteria: Invitae Variant Classification Sherloc (09022015). Collection method: clinical testing. Allele origin: germline.
Comment: This sequence change replaces aspartic acid, which is acidic and polar, with tyrosine, which is neutral and polar, at codon 583 of the EYS protein (p.Asp583Tyr). This variant is present in population databases (rs776055954, gnomAD 0.07%). This variant has not been reported in the literature in individuals affected with EYS-related conditions. ClinVar contains an entry for this variant (Variation ID: 842441). Algorithms developed to predict the effect of missense changes on protein structure and function are either unavailable or do not agree on the potential impact of this missense change (SIFT: "Deleterious"; PolyPhen-2: "Benign"; Align-GVGD: "Class C65"). In summary, the available evidence is currently insufficient to determine the role of this variant in disease. Therefore, it has been classified as a Variant of Uncertain Significance.

Natera, Inc.
Classification: Uncertain significance for Retinitis pigmentosa. Last evaluated: 2020-09-16. Review status: no assertion criteria provided. Collection method: clinical testing. Allele origin: germline. Not counted in ClinVar's aggregate classification.

NM_001142800.2(EYS):c.1747G>T (p.Asp583Tyr)

Gene: EYS (EGF-like photoreceptor maintenance factor; minus strand). Cytogenetic location: 6q12.
Variant type: single nucleotide variant.
Coding change: c.1747G>T on transcript NM_001142800.2 (MANE Select); coding-DNA position 1747, G replaced by T.
Protein change: p.Asp583Tyr; replaces aspartic acid 583 with tyrosine.
Molecular consequence: missense variant.
Genome position (GRCh38, 1-based): chr6:65,334,999, C>A on the plus strand (G>T on the coding strand, the complement: EYS is on the minus strand). VCF-style: chr6-65334999-C-A. GRCh37 (hg19) VCF-style: chr6-66044892-C-A.
Other names: c.1747G>T, p.Asp583Tyr (NM_001142801.2, NM_001292009.2, NM_198283.2); short protein forms D583Y.
Identifiers: ClinVar variation 842441 (VCV000842441.6), dbSNP rs776055954, ClinGen allele CA3877633.